The following is an entry in ClinVar:

ClinVar aggregate classification (germline): Uncertain significance (1 of 4 stars; one submission).

Allele frequency attached by ClinVar (database versions not stated): gnomAD exomes below 0.00001; TOPMed below 0.00001; ExAC 0.00001; gnomAD 0.00001.
gnomAD v4.1: 2 of 1,614,046 alleles (0.00012%); highest among the groups gnomAD compares: Non-Finnish European, 0.00017%; no homozygotes.

Submission:

Labcorp Genetics (formerly Invitae), Labcorp
Classification: Uncertain significance. Last evaluated: 2024-03-20. Review status: criteria provided, single submitter. Criteria: Invitae Variant Classification Sherloc (09022015). Collection method: clinical testing. Allele origin: germline.
Comment: This sequence change falls in intron 15 of the PPP2R5D gene. It does not directly change the encoded amino acid sequence of the PPP2R5D protein. It affects a nucleotide within the consensus splice site. This variant is present in population databases (rs780856765, gnomAD 0.0009%). This variant has not been reported in the literature in individuals affected with PPP2R5D-related conditions. ClinVar contains an entry for this variant (Variation ID: 2119245). Variants that disrupt the consensus splice site are a relatively common cause of aberrant splicing (PMID: 17576681, 9536098). Algorithms developed to predict the effect of sequence changes on RNA splicing suggest that this variant may disrupt the consensus splice site. In summary, the available evidence is currently insufficient to determine the role of this variant in disease. Therefore, it has been classified as a Variant of Uncertain Significance.

Literature cited by the submitters: PubMed 17576681; PubMed 9536098.

NM_006245.4(PPP2R5D):c.1672-1G>C

Genes: MEA1 (male-enhanced antigen 1; minus strand), PPP2R5D (protein phosphatase 2 regulatory subunit B'delta; plus strand). Cytogenetic location: 6p21.1.
Variant type: single nucleotide variant.
Coding change: c.1672-1G>C on transcript NM_006245.4 (MANE Select); the canonical splice acceptor site of the intron before coding-DNA position 1672, G replaced by C.
Molecular consequence: splice acceptor variant. On other transcripts: 3 prime UTR variant (1).
Genome position (GRCh38, 1-based): chr6:43,011,148, G>C. VCF-style: chr6-43011148-G-C. GRCh37 (hg19) VCF-style: chr6-42978886-G-C.
Other names: c.1354-1G>C (NM_180977.3); c.*1322C>G (NM_014623.4); c.1219-1G>C (NM_001270476.2); c.1576-1G>C (NM_180976.3).
Identifiers: ClinVar variation 2119245 (VCV002119245.4), dbSNP rs780856765, ClinGen allele CA3812143.
Genomic context (GRCh38, chr6:43,011,148, plus strand): 5'-GAACAATAGAATTCACTGGGAATTGGTCACCATTCCTCACCTTGTCCCTATTCACACACA[G>C]ATGCTAAAAGACATCAAGAAGGAGAAAGTGCTGCTGCGGAGGAAGTCGGAGCTGCCCCAG-3'